The following is an entry in ClinVar:

ClinVar aggregate classification (germline): Uncertain significance. Review status: criteria provided, multiple submitters, no conflicts (2 of 4 stars). 2 submissions from 2 submitters: Uncertain significance (2). Last evaluated 2024-08-28.

Conditions:
Inborn genetic diseases. Identifiers: MedGen C0950123, MeSH D030342.
Ellis-van Creveld syndrome (EVC). Also called: MESOECTODERMAL DYSPLASIA; EVC-Related Ellis-van Creveld Syndrome; EVC2-Related Ellis-van Creveld Syndrome; Chondroectodermal dysplasia. Identifiers: Orphanet 289, MedGen C0013903, MONDO:0009162, OMIM 225500.
Curry-Hall syndrome (WAD). Also called: WEYERS ACRODENTAL DYSOSTOSIS. Identifiers: Orphanet 952, MedGen C0457013, MONDO:0008673, OMIM 193530.

Allele frequency attached by ClinVar (database versions not stated): ExAC 0.00003; gnomAD 0.00004; TOPMed 0.00005; 1000 Genomes Project 30x 0.00016; 1000 Genomes Project 0.00020.
gnomAD v4.1: 153 of 1,614,156 alleles (0.0095%); highest among the groups gnomAD compares: Non-Finnish European, 0.012%; no homozygotes.

Submissions (2):

Ambry Genetics
Classification: Uncertain significance for Inborn genetic diseases. Last evaluated: 2024-08-28. Review status: criteria provided, single submitter. Criteria: Ambry Variant Classification Scheme 2023. Collection method: clinical testing. Allele origin: germline.

Labcorp Genetics (formerly Invitae), Labcorp
Classification: Uncertain significance for Curry-Hall syndrome; Ellis-van Creveld syndrome. Last evaluated: 2021-08-26. Review status: criteria provided, single submitter. Criteria: Invitae Variant Classification Sherloc (09022015). Collection method: clinical testing. Allele origin: germline.
Comment: This sequence change replaces arginine with cysteine at codon 322 of the EVC2 protein (p.Arg322Cys). The arginine residue is moderately conserved and there is a large physicochemical difference between arginine and cysteine. This variant is present in population databases (rs539685245, ExAC 0.02%). This variant has not been reported in the literature in individuals affected with EVC2-related conditions. Algorithms developed to predict the effect of missense changes on protein structure and function are either unavailable or do not agree on the potential impact of this missense change (SIFT: "Deleterious"; PolyPhen-2: "Possibly Damaging"; Align-GVGD: "Class C0"). In summary, the available evidence is currently insufficient to determine the role of this variant in disease. Therefore, it has been classified as a Variant of Uncertain Significance.

NM_147127.5(EVC2):c.964C>T (p.Arg322Cys)

Gene: EVC2 (EvC ciliary complex subunit 2; minus strand). Cytogenetic location: 4p16.2.
Variant type: single nucleotide variant.
Coding change: c.964C>T on transcript NM_147127.5 (MANE Select); coding-DNA position 964, C replaced by T.
Protein change: p.Arg322Cys; replaces arginine 322 with cysteine.
Molecular consequence: missense variant.
Genome position (GRCh38, 1-based): chr4:5,665,556, G>A on the plus strand (C>T on the coding strand, the complement: EVC2 is on the minus strand). VCF-style: chr4-5665556-G-A. GRCh37 (hg19) VCF-style: chr4-5667283-G-A.
Other names: c.964C>T (NM_147127.4); c.724C>T, p.Arg242Cys (NM_001166136.2); short protein forms R322C, R242C.
Identifiers: ClinVar variation 2038673 (VCV002038673.2), dbSNP rs539685245, ClinGen allele CA2835209.